The following is an entry in ClinVar:

NM_013275.6(ANKRD11):c.2917C>G (p.Arg973Gly)

Gene: ANKRD11 (ankyrin repeat domain 11; minus strand). Cytogenetic location: 16q24.3.
Variant type: single nucleotide variant.
Coding change: c.2917C>G on transcript NM_013275.6 (MANE Select); coding-DNA position 2917, C replaced by G.
Protein change: p.Arg973Gly; replaces arginine 973 with glycine.
Molecular consequence: missense variant.
Genome position (GRCh38, 1-based): chr16:89,283,625, G>C on the plus strand (C>G on the coding strand, the complement: ANKRD11 is on the minus strand). VCF-style: chr16-89283625-G-C. GRCh37 (hg19) VCF-style: chr16-89350033-G-C.
Other names: c.2917C>G, p.Arg973Gly (NM_001256182.2, NM_001256183.2); short protein forms R973G.
Identifiers: ClinVar variation 2900952 (VCV002900952.4), dbSNP rs202099475, ClinGen allele CA397161006.

ClinVar aggregate classification (germline): Uncertain significance. Review status: criteria provided, multiple submitters, no conflicts (2 of 4 stars). 2 submissions from 2 submitters: Uncertain significance (2). Last evaluated 2025-08-14.

Conditions:
KBG syndrome (KBGS). Also called: ANKRD11-Related KBG Syndrome. Identifiers: Orphanet 2332, MedGen C0220687, MONDO:0007846, OMIM 148050.

Submissions (2):

Labcorp Genetics (formerly Invitae), Labcorp
Classification: Uncertain significance for KBG syndrome. Last evaluated: 2025-08-14. Review status: criteria provided, single submitter. Criteria: Invitae Variant Classification Sherloc (09022015). Collection method: clinical testing. Allele origin: germline.
Comment: This sequence change replaces arginine, which is basic and polar, with glycine, which is neutral and non-polar, at codon 973 of the ANKRD11 protein (p.Arg973Gly). This variant is not present in population databases (gnomAD no frequency). This variant has not been reported in the literature in individuals affected with ANKRD11-related conditions. ClinVar contains an entry for this variant (Variation ID: 2900952). Invitae Evidence Modeling of protein sequence and biophysical properties (such as structural, functional, and spatial information, amino acid conservation, physicochemical variation, residue mobility, and thermodynamic stability) indicates that this missense variant is not expected to disrupt ANKRD11 protein function with a negative predictive value of 95%. In summary, the available evidence is currently insufficient to determine the role of this variant in disease. Therefore, it has been classified as a Variant of Uncertain Significance.

Women's Health and Genetics/Laboratory Corporation of America, LabCorp
Classification: Uncertain significance. Last evaluated: 2024-09-11. Review status: criteria provided, single submitter. Criteria: LabCorp Variant Classification Summary - May 2015. Collection method: clinical testing. Allele origin: germline.
Comment: Variant summary: ANKRD11 c.2917C>G (p.Arg973Gly) results in a non-conservative amino acid change in the encoded protein sequence. Three of five in-silico tools predict a damaging effect of the variant on protein function. The variant was absent in 248948 control chromosomes. The available data on variant occurrences in the general population are insufficient to allow any conclusion about variant significance. To our knowledge, no occurrence of c.2917C>G in individuals affected with KBG Syndrome and no experimental evidence demonstrating its impact on protein function have been reported. ClinVar contains an entry for this variant (Variation ID: 2900952). Based on the evidence outlined above, the variant was classified as uncertain significance.